The following is an entry in ClinVar:

ClinVar aggregate classification (germline): Uncertain significance (1 of 4 stars; one submission).

Conditions:
Myofibrillar myopathy 6. Identifiers: Orphanet 199340, MedGen C2751831, MONDO:0013061, OMIM 612954.
Dilated cardiomyopathy 1HH (CMD1HH). Identifiers: Orphanet 154, MedGen C3151293, MONDO:0013479, OMIM 613881.

Allele frequency attached by ClinVar (database versions not stated): gnomAD exomes below 0.00001; TOPMed below 0.00001.
gnomAD v4.1: 1 of 1,579,556 alleles (0.000063%); highest among the groups gnomAD compares: Non-Finnish European, 0.000086%; no homozygotes.

Submission:

Labcorp Genetics (formerly Invitae), Labcorp
Classification: Uncertain significance for Dilated cardiomyopathy 1HH; Myofibrillar myopathy 6. Last evaluated: 2023-10-04. Review status: criteria provided, single submitter. Criteria: Invitae Variant Classification Sherloc (09022015). Collection method: clinical testing. Allele origin: germline.
Comment: This sequence change replaces alanine, which is neutral and non-polar, with threonine, which is neutral and polar, at codon 3 of the BAG3 protein (p.Ala3Thr). The frequency data for this variant in the population databases is considered unreliable, as metrics indicate poor data quality at this position in the gnomAD database. This variant has not been reported in the literature in individuals affected with BAG3-related conditions. ClinVar contains an entry for this variant (Variation ID: 2142517). An algorithm developed to predict the effect of missense changes on protein structure and function (PolyPhen-2) suggests that this variant is likely to be disruptive. In summary, the available evidence is currently insufficient to determine the role of this variant in disease. Therefore, it has been classified as a Variant of Uncertain Significance.

NM_004281.4(BAG3):c.7G>A (p.Ala3Thr)

Gene: BAG3 (BAG cochaperone 3; plus strand). Cytogenetic location: 10q26.11.
Variant type: single nucleotide variant.
Coding change: c.7G>A on transcript NM_004281.4 (MANE Select); coding-DNA position 7, G replaced by A.
Protein change: p.Ala3Thr; replaces alanine 3 with threonine.
Molecular consequence: missense variant.
Genome position (GRCh38, 1-based): chr10:119,651,682, G>A. VCF-style: chr10-119651682-G-A. GRCh37 (hg19) VCF-style: chr10-121411194-G-A.
Other names: short protein forms A3T.
Identifiers: ClinVar variation 2142517 (VCV002142517.4), dbSNP rs956429406, ClinGen allele CA214208015.